The following is an entry in ClinVar:

NM_007194.4(CHEK2):c.1100dup (p.Thr367_Asp368insTer)

Gene: CHEK2 (checkpoint kinase 2; minus strand). Cytogenetic location: 22q12.1.
Variant type: Duplication.
Coding change: c.1100dup on transcript NM_007194.4 (MANE Select); coding-DNA position 1100, one base duplicated (C; older notation c.1100dupC).
Protein change: p.Thr367_Asp368insTer.
Molecular consequence: frameshift variant. On other transcripts: nonsense (4).
Genome position (GRCh38, 1-based): chr22:28,695,869, G duplicated on the plus strand (C on the coding strand, the reverse complement: CHEK2 is on the minus strand). VCF-style (leftmost placement, unchanged base first): chr22-28695868-A-AG. GRCh37 (hg19) VCF-style: chr22-29091856-A-AG.
Other names: c.1229dup, p.Asp411Terfs (NM_001005735.3); c.437dup, p.Asp147Terfs (NM_001257387.3); c.899dup, p.Asp301Terfs (NM_001349956.3); c.1013dup, p.Asp339Terfs (NM_145862.3).
Identifiers: ClinVar variation 2452083 (VCV002452083.2), dbSNP rs2052566665, ClinGen allele CA2400238364.
Genomic context (GRCh38, chr22:28,695,868, plus strand): 5'-GGTTCCACATAAGGTTCTCATGAGAGAGGTCTCTCCCAAAATCTTGGAGTGCCCAAAATC[A>AG]GTAATCTAAAATTCAGTACAAAAGGGAATAATGTTGAACTTGCCATAAAATAAAAAGATT-3'

ClinVar aggregate classification (germline): Pathogenic (1 of 4 stars; one submission).

Conditions:
Hereditary cancer-predisposing syndrome. Also called: Neoplastic Syndromes, Hereditary; Tumor predisposition; Hereditary neoplastic syndrome; Hereditary Cancer Syndrome. Identifiers: Orphanet 140162, MedGen C0027672, MeSH D009386, MONDO:0015356.

Submission:

Ambry Genetics
Classification: Pathogenic for Hereditary cancer-predisposing syndrome. Last evaluated: 2023-02-05. Review status: criteria provided, single submitter. Criteria: Ambry Variant Classification Scheme 2023. Collection method: clinical testing. Allele origin: germline.
Comment: The c.1100dupC pathogenic mutation, located in coding exon 10 of the CHEK2 gene, results from a duplication of C at nucleotide position 1100, causing a translational frameshift with a predicted alternate stop codon (p.D368*). This variant is considered to be rare based on population cohorts in the Genome Aggregation Database (gnomAD). This alteration is expected to result in loss of function by premature protein truncation or nonsense-mediated mRNA decay. As such, this alteration is interpreted as a disease-causing mutation.